The following is an entry in ClinVar:

NM_002900.3(RBP3):c.3631G>T (p.Val1211Leu)

Gene: RBP3 (retinol binding protein 3; plus strand). Cytogenetic location: 10q11.22.
Variant type: single nucleotide variant.
Coding change: c.3631G>T on transcript NM_002900.3 (MANE Select); coding-DNA position 3631, G replaced by T.
Protein change: p.Val1211Leu; replaces valine 1211 with leucine.
Molecular consequence: missense variant.
Genome position (GRCh38, 1-based): chr10:47,357,344, G>T. VCF-style: chr10-47357344-G-T. GRCh37 (hg19) VCF-style: chr10-48382018-C-A.
Other names: short protein forms V1211L.
Identifiers: ClinVar variation 1471319 (VCV001471319.8), dbSNP rs1202037718, ClinGen allele CA376677738.

ClinVar aggregate classification (germline): Uncertain significance. Review status: criteria provided, multiple submitters, no conflicts (2 of 4 stars). 3 submissions from 3 submitters: Uncertain significance (3). Last evaluated 2023-12-08.

Allele frequency attached by ClinVar (database versions not stated): gnomAD exomes below 0.00001.
gnomAD v4.1: 7 of 1,614,008 alleles (0.00043%); highest among the groups gnomAD compares: Admixed American, 0.0033%; no homozygotes.

Submissions (3):

Blueprint Genetics
Classification: Uncertain significance. Last evaluated: 2023-12-08. Review status: criteria provided, single submitter. Criteria: ACMG Guidelines, 2015. Collection method: clinical testing. Allele origin: germline.

GeneDx
Classification: Uncertain significance. Last evaluated: 2022-04-27. Review status: criteria provided, single submitter. Criteria: GeneDx Variant Classification Process June 2021. Collection method: clinical testing. Allele origin: germline. Affected: yes.
Comment: In silico analysis supports that this missense variant does not alter protein structure/function; Has not been previously published as pathogenic or benign to our knowledge

Labcorp Genetics (formerly Invitae), Labcorp
Classification: Uncertain significance. Last evaluated: 2021-10-15. Review status: criteria provided, single submitter. Criteria: Invitae Variant Classification Sherloc (09022015). Collection method: clinical testing. Allele origin: germline.
Comment: In summary, the available evidence is currently insufficient to determine the role of this variant in disease. Therefore, it has been classified as a Variant of Uncertain Significance. Algorithms developed to predict the effect of missense changes on protein structure and function are either unavailable or do not agree on the potential impact of this missense change (SIFT: "Deleterious"; PolyPhen-2: "Benign"; Align-GVGD: "Class C0"). This variant has not been reported in the literature in individuals affected with RBP3-related conditions. This variant is not present in population databases (ExAC no frequency). This sequence change replaces valine with leucine at codon 1211 of the RBP3 protein (p.Val1211Leu). The valine residue is highly conserved and there is a small physicochemical difference between valine and leucine.